The following is an entry in ClinVar:

NM_014846.4(WASHC5):c.3462G>T (p.Glu1154Asp)

Gene: WASHC5 (WASH complex subunit 5; minus strand). Cytogenetic location: 8q24.13.
Variant type: single nucleotide variant.
Coding change: c.3462G>T on transcript NM_014846.4 (MANE Select); coding-DNA position 3462, G replaced by T.
Protein change: p.Glu1154Asp; replaces glutamic acid 1154 with aspartic acid.
Molecular consequence: missense variant.
Genome position (GRCh38, 1-based): chr8:125,024,635, C>A on the plus strand (G>T on the coding strand, the complement: WASHC5 is on the minus strand). VCF-style: chr8-125024635-C-A. GRCh37 (hg19) VCF-style: chr8-126036877-C-A.
Other names: c.3018G>T, p.Glu1006Asp (NM_001330609.2); short protein forms E1006D, E1154D.
Identifiers: ClinVar variation 3349854 (VCV003349854.1).

ClinVar aggregate classification (germline): Uncertain significance (0 of 4 stars; one submission).

Conditions:
WASHC5-related disorder. Also called: WASHC5-related condition.

gnomAD v4.1: 19 of 1,610,498 alleles (0.0012%); highest among the groups gnomAD compares: Non-Finnish European, 0.0016%; no homozygotes.

Submission:

PreventionGenetics, part of Exact Sciences
Classification: Uncertain significance for WASHC5-related condition. Last evaluated: 2024-03-11. Review status: no assertion criteria provided. Collection method: clinical testing. Allele origin: germline.
Comment: The WASHC5 c.3462G>T variant is predicted to result in the amino acid substitution p.Glu1154Asp. To our knowledge, this variant has not been reported in the literature. This variant is reported in 0.00088% of alleles in individuals of European (Non-Finnish) descent in gnomAD. At this time, the clinical significance of this variant is uncertain due to the absence of conclusive functional and genetic evidence.